The following is an entry in ClinVar:

ClinVar aggregate classification (germline): Pathogenic (1 of 4 stars; one submission).

Submission:

ISCA site 4
Classification: Pathogenic. Last evaluated: 2011-08-12. Review status: criteria provided, single submitter. Criteria: Kaminsky et al. (Genet Med. 2011). Collection method: clinical testing. Allele origin: unknown. Affected: yes. Observed: 1 variant allele.
Comment: Copy number variation identified through the course of routine clinical cytogenomic testing in postnatal populations. Clinical assertions have been curated as described in Kaminsky et al. 2011.

GRCh38/hg38 11q24.2-25(chr11:126445805-134998513)x3

Genes: MIR3167 (microRNA 3167; minus strand), MIR4697 (microRNA 4697; minus strand), MIR6090 (microRNA 6090; plus strand), MIR8052 (microRNA 8052; plus strand), NCAPD3 (non-SMC condensin II complex subunit D3; minus strand) and 238 more. Cytogenetic location: 11q24.2-25.
Variant type: copy number gain.
Change: copy number 3 (three copies instead of two) of chr11:126,445,805-134,998,513 (8.55 Mb, GRCh38 coordinates, 1-based), cytogenetic band 11q24.2-25.
Identifiers: ClinVar variation 57456 (VCV000057456.1).